The following is an entry in ClinVar:

NM_001160148.2(DDHD1):c.2290A>G (p.Arg764Gly)

Gene: DDHD1 (DDHD domain containing 1; minus strand). Cytogenetic location: 14q22.1.
Variant type: single nucleotide variant.
Coding change: c.2290A>G on transcript NM_001160148.2 (MANE Select); coding-DNA position 2290, A replaced by G.
Protein change: p.Arg764Gly; replaces arginine 764 with glycine.
Molecular consequence: missense variant.
Genome position (GRCh38, 1-based): chr14:53,054,585, T>C on the plus strand (A>G on the coding strand, the complement: DDHD1 is on the minus strand). VCF-style: chr14-53054585-T-C. GRCh37 (hg19) VCF-style: chr14-53521303-T-C.
Other names: c.2311A>G, p.Arg771Gly (NM_001160147.2); c.2290A>G, p.Arg764Gly (NM_030637.3); short protein forms R764G, R771G.
Identifiers: ClinVar variation 1993339 (VCV001993339.4), dbSNP rs1882877582, ClinGen allele CA389769944.

ClinVar aggregate classification (germline): Uncertain significance (1 of 4 stars; one submission).

Conditions:
Hereditary spastic paraplegia 28. Also called: Spastic paraplegia 28, autosomal recessive. Identifiers: Orphanet 101008, MedGen C1836295, MONDO:0012256, OMIM 609340.

Allele frequency attached by ClinVar (database versions not stated): gnomAD exomes below 0.00001.
gnomAD v4.1: 2 of 1,614,100 alleles (0.00012%); highest among the groups gnomAD compares: Non-Finnish European, 0.00017%; no homozygotes.

Submission:

Labcorp Genetics (formerly Invitae), Labcorp
Classification: Uncertain significance for Hereditary spastic paraplegia 28. Last evaluated: 2022-06-07. Review status: criteria provided, single submitter. Criteria: Invitae Variant Classification Sherloc (09022015). Collection method: clinical testing. Allele origin: germline.
Comment: This sequence change replaces arginine, which is basic and polar, with glycine, which is neutral and non-polar, at codon 771 of the DDHD1 protein (p.Arg771Gly). This variant is not present in population databases (gnomAD no frequency). This variant has not been reported in the literature in individuals affected with DDHD1-related conditions. Algorithms developed to predict the effect of missense changes on protein structure and function are either unavailable or do not agree on the potential impact of this missense change (SIFT: "Deleterious"; PolyPhen-2: "Probably Damaging"; Align-GVGD: "Class C0"). In summary, the available evidence is currently insufficient to determine the role of this variant in disease. Therefore, it has been classified as a Variant of Uncertain Significance.